The following is an entry in ClinVar:

ClinVar aggregate classification (germline): Likely pathogenic (1 of 4 stars; one submission).

Conditions:
Congenital myasthenic syndrome 4A. Also called: CONGENITAL MYASTHENIC SYNDROME TYPE Ia1; MYASTHENIC SYNDROME, CONGENITAL, 4A, SLOW-CHANNEL, AUTOSOMAL RECESSIVE; Myasthenic syndrome, congenital, 4a, slow-channel. Identifiers: Orphanet 590, MedGen C4225413, MONDO:0011600, OMIM 605809.
Congenital myasthenic syndrome 4C (CMS4C). Also called: Myasthenic syndrome, congenital, associated with acetylcholine receptor deficiency. Identifiers: Orphanet 590, MedGen C1837091, MONDO:0012157, OMIM 608931.
Congenital myasthenic syndrome 4B. Also called: Myasthenic syndrome, congenital, 4b, fast-channel. Identifiers: Orphanet 590, MedGen C4225369, MONDO:0014586, OMIM 616324.

Submission:

Kariminejad - Najmabadi Pathology & Genetics Center
Classification: Likely pathogenic for Congenital myasthenic syndrome 4A; Congenital myasthenic syndrome 4B; Congenital myasthenic syndrome 4C. Last evaluated: 2021-06-19. Review status: criteria provided, single submitter. Criteria: ACMG Guidelines, 2015. Collection method: clinical testing. Allele origin: germline. Inheritance: Autosomal recessive inheritance. Affected: yes.
Comment: PM1, PM2, PP3

NM_000080.4(CHRNE):c.710G>C (p.Arg237Pro)

Genes: CHRNE (cholinergic receptor nicotinic epsilon subunit; minus strand), C17orf107 (chromosome 17 open reading frame 107; plus strand). Cytogenetic location: 17p13.2.
Variant type: single nucleotide variant.
Coding change: c.710G>C on transcript NM_000080.4 (MANE Select); coding-DNA position 710, G replaced by C.
Protein change: p.Arg237Pro; replaces arginine 237 with proline.
Molecular consequence: missense variant. On other transcripts: 3 prime UTR variant (1).
Genome position (GRCh38, 1-based): chr17:4,901,082, C>G on the plus strand (G>C on the coding strand, the complement: CHRNE is on the minus strand). VCF-style: chr17-4901082-C-G. GRCh37 (hg19) VCF-style: chr17-4804377-C-G.
Other names: c.*549C>G (NM_001145536.2); short protein forms R237P.
Identifiers: ClinVar variation 3896808 (VCV003896808.1).